The following is an entry in ClinVar:

ClinVar aggregate classification (germline): Likely benign (0 of 4 stars; one submission).

Conditions:
CHD3-related disorder. Also called: CHD3-related condition.

Allele frequency attached by ClinVar (database versions not stated): gnomAD 0.00007; TOPMed 0.00009; ESP Exome Variant Server 0.00015.
gnomAD v4.1: 184 of 1,613,670 alleles (0.011%); highest among the groups gnomAD compares: Middle Eastern, 0.016%; 1 homozygote.

Submission:

PreventionGenetics, part of Exact Sciences
Classification: Likely benign for CHD3-related condition. Last evaluated: 2022-11-17. Review status: no assertion criteria provided. Collection method: clinical testing. Allele origin: germline.
Comment: This variant is classified as likely benign based on ACMG/AMP sequence variant interpretation guidelines (Richards et al. 2015 PMID: 25741868, with internal and published modifications).

NM_001005273.3(CHD3):c.1896C>T (p.Thr632=)

Gene: CHD3 (chromodomain helicase DNA binding protein 3; plus strand). Cytogenetic location: 17p13.1.
Variant type: single nucleotide variant.
Coding change: c.1896C>T on transcript NM_001005273.3 (MANE Select); coding-DNA position 1896, C replaced by T.
Protein change: p.Thr632=; no amino-acid change (threonine 632 retained).
Molecular consequence: synonymous variant.
Genome position (GRCh38, 1-based): chr17:7,897,271, C>T. VCF-style: chr17-7897271-C-T. GRCh37 (hg19) VCF-style: chr17-7800589-C-T.
Other names: c.2073C>T, p.Thr691= (NM_001005271.3); c.1896C>T, p.Thr632= (NM_005852.4).
Identifiers: ClinVar variation 3055117 (VCV003055117.2), dbSNP rs373299963, ClinGen allele CA8362759.